The following is an entry in ClinVar:

NM_014049.5(ACAD9):c.837G>C (p.Lys279Asn)

Gene: ACAD9 (acyl-CoA dehydrogenase family member 9; plus strand). Cytogenetic location: 3q21.3.
Variant type: single nucleotide variant.
Coding change: c.837G>C on transcript NM_014049.5 (MANE Select); coding-DNA position 837, G replaced by C.
Protein change: p.Lys279Asn; replaces lysine 279 with asparagine.
Molecular consequence: missense variant. On other transcripts: non-coding transcript variant (1).
Genome position (GRCh38, 1-based): chr3:128,901,304, G>C. VCF-style: chr3-128901304-G-C. GRCh37 (hg19) VCF-style: chr3-128620147-G-C.
Other names: c.468G>C, p.Lys156Asn (NM_001410805.1); short protein forms K156N, K279N.
Identifiers: ClinVar variation 2167755 (VCV002167755.2), dbSNP rs1178741568, ClinGen allele CA354435024.

ClinVar aggregate classification (germline): Uncertain significance (1 of 4 stars; one submission).

Allele frequency attached by ClinVar (database versions not stated): gnomAD exomes below 0.00001; TOPMed below 0.00001; gnomAD 0.00001.
gnomAD v4.1: 2 of 1,614,024 alleles (0.00012%); highest among the groups gnomAD compares: Non-Finnish European, 0.00017%; no homozygotes.

Submission:

Labcorp Genetics (formerly Invitae), Labcorp
Classification: Uncertain significance. Last evaluated: 2022-04-26. Review status: criteria provided, single submitter. Criteria: Invitae Variant Classification Sherloc (09022015). Collection method: clinical testing. Allele origin: germline.
Comment: This sequence change replaces lysine, which is basic and polar, with asparagine, which is neutral and polar, at codon 279 of the ACAD9 protein (p.Lys279Asn). This variant is not present in population databases (gnomAD no frequency). This variant has not been reported in the literature in individuals affected with ACAD9-related conditions. Advanced modeling of protein sequence and biophysical properties (such as structural, functional, and spatial information, amino acid conservation, physicochemical variation, residue mobility, and thermodynamic stability) performed at Invitae indicates that this missense variant is expected to disrupt ACAD9 protein function. In summary, the available evidence is currently insufficient to determine the role of this variant in disease. Therefore, it has been classified as a Variant of Uncertain Significance.